The following is an entry in ClinVar:

ClinVar aggregate classification (germline): Uncertain significance (1 of 4 stars; one submission).

Conditions:
Norman-Roberts syndrome (LIS2). Also called: Lissencephaly 2 (Norman-Roberts type). Identifiers: Orphanet 89844, MedGen C0796089, MONDO:0009760, OMIM 257320.
Familial temporal lobe epilepsy 7. Identifiers: Orphanet 101046, MedGen C4225327, MONDO:0014639, OMIM 616436.

Submission:

Labcorp Genetics (formerly Invitae), Labcorp
Classification: Uncertain significance for Familial temporal lobe epilepsy 7; Norman-Roberts syndrome. Last evaluated: 2025-07-30. Review status: criteria provided, single submitter. Criteria: Invitae Variant Classification Sherloc (09022015). Collection method: clinical testing. Allele origin: germline.
Comment: This sequence change replaces isoleucine, which is neutral and non-polar, with asparagine, which is neutral and polar, at codon 3248 of the RELN protein (p.Ile3248Asn). Information on the frequency of this variant in the gnomAD database is not available, as this variant may be reported differently in the database. This variant has not been reported in the literature in individuals affected with RELN-related conditions. An algorithm developed to predict the effect of missense changes on protein structure and function (PolyPhen-2) suggests that this variant is likely to be tolerated. In summary, the available evidence is currently insufficient to determine the role of this variant in disease. Therefore, it has been classified as a Variant of Uncertain Significance.

NM_005045.4(RELN):c.9743_9744delinsAT (p.Ile3248Asn)

Genes: SLC26A5-AS1 (SLC26A5 antisense RNA 1; plus strand), RELN (reelin; minus strand), LOC126860130 (BRD4-independent group 4 enhancer GRCh37_chr7:103130126-103131325; plus strand). Cytogenetic location: 7q22.1.
Variant type: Indel.
Coding change: c.9743_9744delinsAT on transcript NM_005045.4 (MANE Select); coding-DNA positions 9743 to 9744, TC replaced by AT.
Protein change: p.Ile3248Asn; replaces isoleucine 3248 with asparagine.
Molecular consequence: missense variant.
Genome position (GRCh38, 1-based): chr7:103,489,761-103,489,762, GA replaced by AT on the plus strand (TC replaced by AT on the coding strand, the reverse complement: RELN is on the minus strand). VCF-style: chr7-103489761-GA-AT. GRCh37 (hg19) VCF-style: chr7-103130208-GA-AT.
Other names: c.9743_9744delinsAT, p.Ile3248Asn (NM_173054.3); short protein forms I3248N.
Identifiers: ClinVar variation 4791402 (VCV004791402.1).
Genomic context (GRCh38, chr7:103,489,761, plus strand): 5'-CTTGGTCTCCTCTATCAAAGTTGGCAGCCTGGGATTCAGACCTTGGAAGCTCTCGTCGCA[GA>AT]TGCAGATGGCACCGGTCGTGCAGTATCCGTGCCCGCTGCAGAGCTTGGGGCAAGCCTCTC-3'
Protein context (NP_005036.2, residues 3238-3258): HGYCTTGAIC[Ile3248Asn]CDESFQGDDC